The following is an entry in ClinVar:

ClinVar aggregate classification (germline): Uncertain significance. Review status: criteria provided, multiple submitters, no conflicts (2 of 4 stars). 2 submissions from 2 submitters: Uncertain significance (2). Last evaluated 2025-04-01.

Conditions:
Primary dilated cardiomyopathy (DCM). Also called: Dilated Cardiomyopathy. Identifiers: Orphanet 217604, MedGen C0007193, MeSH D002311, MONDO:0005021, HP:0001644. Inheritance: Various modes of inheritance.
Charcot-Marie-Tooth disease type 2. Also called: Charcot-Marie-Tooth type 2. Identifiers: Orphanet 64746, MedGen C0270914, MONDO:0018993.

Submissions (2):

Labcorp Genetics (formerly Invitae), Labcorp
Classification: Uncertain significance for Charcot-Marie-Tooth disease type 2. Last evaluated: 2025-04-01. Review status: criteria provided, single submitter. Criteria: Invitae Variant Classification Sherloc (09022015). Collection method: clinical testing. Allele origin: germline.
Comment: This sequence change replaces lysine, which is basic and polar, with threonine, which is neutral and polar, at codon 311 of the LMNA protein (p.Lys311Thr). This variant is not present in population databases (gnomAD no frequency). This variant has not been reported in the literature in individuals affected with LMNA-related conditions. ClinVar contains an entry for this variant (Variation ID: 3387007). Invitae Evidence Modeling of protein sequence and biophysical properties (such as structural, functional, and spatial information, amino acid conservation, physicochemical variation, residue mobility, and thermodynamic stability) indicates that this missense variant is expected to disrupt LMNA protein function with a positive predictive value of 95%. In summary, the available evidence is currently insufficient to determine the role of this variant in disease. Therefore, it has been classified as a Variant of Uncertain Significance.

All of Us Research Program, National Institutes of Health
Classification: Uncertain significance for Primary dilated cardiomyopathy. Last evaluated: 2024-04-16. Review status: criteria provided, single submitter. Criteria: ACMG Guidelines, 2015. Collection method: clinical testing. Allele origin: germline. Inheritance: Autosomal dominant inheritance. Observed: 1 variant allele, 1 heterozygote.
Comment: This missense variant replaces lysine with threonine at codon 311 of the LMNA protein. Computational prediction suggests that this variant may have deleterious impact on protein structure and function (internally defined REVEL score threshold >= 0.7, PMID: 27666373). To our knowledge, functional studies have not been reported for this variant. This variant has not been reported in individuals affected with LMNA-related disorders in the literature. This variant has not been identified in the general population by the Genome Aggregation Database (gnomAD). The available evidence is insufficient to determine the role of this variant in disease conclusively. Therefore, this variant is classified as a Variant of Uncertain Significance.

This study involves interpretation of variants in research participants for the purpose of population health screening. Participant phenotype was not available at the time of variant classification. Additional details can be found in publication PMID: 35346344, PMCID: PMC8962531

NM_170707.4(LMNA):c.932A>C (p.Lys311Thr)

Gene: LMNA (lamin A/C; plus strand). Cytogenetic location: 1q22.
Variant type: single nucleotide variant.
Coding change: c.932A>C on transcript NM_170707.4 (MANE Select); coding-DNA position 932, A replaced by C.
Protein change: p.Lys311Thr; replaces lysine 311 with threonine.
Molecular consequence: missense variant.
Genome position (GRCh38, 1-based): chr1:156,135,308, A>C. VCF-style: chr1-156135308-A-C. GRCh37 (hg19) VCF-style: chr1-156105099-A-C.
Other names: c.374A>C, p.Lys125Thr (NM_001407003.1, NM_001406990.1, NM_001406993.1 and 4 more transcripts); c.932A>C, p.Lys311Thr (NM_005572.4, NM_170708.4, NM_001282625.2 and 6 more transcripts); c.596A>C, p.Lys199Thr (NM_001257374.3, NM_001406989.1, NM_001406998.1); c.689A>C, p.Lys230Thr (NM_001282624.2, NM_001406986.1, NM_001406987.1); c.635A>C, p.Lys212Thr (NM_001406988.1); c.268A>C, p.Ser90Arg (NM_001406994.1, NM_001406999.1, NM_001407000.1 and 1 more transcripts); short protein forms K125T, K199T, K212T, K230T, K311T, S90R.
Identifiers: ClinVar variation 3387007 (VCV003387007.3).